The following is an entry in ClinVar:

NM_000363.5(TNNI3):c.12-5T>C

Gene: TNNI3 (troponin I3, cardiac type; minus strand). Cytogenetic location: 19q13.42.
Variant type: single nucleotide variant.
Coding change: c.12-5T>C on transcript NM_000363.5 (MANE Select); 5 bases into the intron before coding-DNA position 12, T replaced by C.
Molecular consequence: intron variant.
Genome position (GRCh38, 1-based): chr19:55,157,313, A>G on the plus strand (T>C on the coding strand, the complement: TNNI3 is on the minus strand). VCF-style: chr19-55157313-A-G. GRCh37 (hg19) VCF-style: chr19-55668681-A-G.
Identifiers: ClinVar variation 3073676 (VCV003073676.1), dbSNP rs2515504372, ClinGen allele CA2825002824.
Genomic context (GRCh38, chr19:55,157,313, plus strand): 5'-TGGCCCTGGGGGTCCCAGCCACGCCTTAGCCCGCTGCTCTCACCGCATCGCTGCTCCTGG[A>G]AGGAGAGAAACCAAGGAGGGGGGTTAGTGGTGGGCTGTGTCCTGTCTCCTAAGGGACCCC-3'

ClinVar aggregate classification (germline): Likely benign (1 of 4 stars; one submission).

Conditions:
Hypertrophic cardiomyopathy. Also called: HYPERTROPHIC MYOCARDIOPATHY. Identifiers: Orphanet 217569, MedGen C0007194, MeSH D002312, MONDO:0005045, HP:0001639.

Submission:

All of Us Research Program, National Institutes of Health
Classification: Likely benign for Hypertrophic cardiomyopathy. Last evaluated: 2023-10-06. Review status: criteria provided, single submitter. Criteria: ACMG Guidelines, 2015. Collection method: clinical testing. Allele origin: germline. Inheritance: Autosomal dominant inheritance. Observed: 1 variant allele, 1 heterozygote.
Comment: This study involves interpretation of variants in research participants for the purpose of population health screening. Participant phenotype was not available at the time of variant classification. Additional details can be found in publication PMID: 35346344, PMCID: PMC8962531